The following is an entry in ClinVar:

NM_003128.3(SPTBN1):c.3677A>G (p.Asn1226Ser)

Gene: SPTBN1 (spectrin beta, non-erythrocytic 1; plus strand). Cytogenetic location: 2p16.2.
Variant type: single nucleotide variant.
Coding change: c.3677A>G on transcript NM_003128.3 (MANE Select); coding-DNA position 3677, A replaced by G.
Protein change: p.Asn1226Ser; replaces asparagine 1226 with serine.
Molecular consequence: missense variant.
Genome position (GRCh38, 1-based): chr2:54,632,678, A>G. VCF-style: chr2-54632678-A-G. GRCh37 (hg19) VCF-style: chr2-54859815-A-G.
Other names: c.3638A>G, p.Asn1213Ser (NM_178313.3); short protein forms N1213S, N1226S.
Identifiers: ClinVar variation 2219525 (VCV002219525.26), dbSNP rs147205482, ClinGen allele CA1660860.

ClinVar aggregate classification (germline): Likely benign. Review status: criteria provided, multiple submitters, no conflicts (2 of 4 stars). 2 submissions from 2 submitters: Likely benign (2). Last evaluated 2022-11-01.

Conditions:
Inborn genetic diseases. Identifiers: MedGen C0950123, MeSH D030342.

Allele frequency attached by ClinVar (database versions not stated): 1000 Genomes Project 30x 0.00016; 1000 Genomes Project 0.00020; ExAC 0.00034; TOPMed 0.00042; gnomAD 0.00046; gnomAD exomes 0.00066; ESP Exome Variant Server 0.00085.
gnomAD v4.1: 1,073 of 1,614,238 alleles (0.066%); highest among the groups gnomAD compares: Non-Finnish European, 0.078%; 2 homozygotes.

Submissions (2):

CeGaT Center for Human Genetics Tuebingen
Classification: Likely benign. Last evaluated: 2022-11-01. Review status: criteria provided, single submitter. Criteria: CeGaT Center For Human Genetics Tuebingen Variant Classification Criteria Version 2. Collection method: clinical testing. Allele origin: germline. Affected: yes. Observed: 1 variant allele.
Comment: SPTBN1: BP4

Ambry Genetics
Classification: Likely benign for Inborn genetic diseases. Last evaluated: 2021-12-07. Review status: criteria provided, single submitter. Criteria: Ambry Variant Classification Scheme 2023. Collection method: clinical testing. Allele origin: germline.